The following is an entry in ClinVar:

GRCh37/hg19 1q21.1(chr1:145083851-145986573)x1

Genes: POLR3C (RNA polymerase III subunit C; plus strand), RNF115 (ring finger protein 115; minus strand), TXNIP (thioredoxin interacting protein; minus strand), POLR3GL (RNA polymerase III subunit GL; plus strand), RBM8A (RNA binding motif protein 8A; minus strand) and 13 more. Cytogenetic location: 1q21.1.
Variant type: copy number loss.
Change: copy number 1 (one copy instead of two) of chr1:145,083,851-145,986,573 (902.7 kb, GRCh37 coordinates, 1-based), cytogenetic band 1q21.1.
Identifiers: ClinVar variation 1807758 (VCV001807758.1).

ClinVar aggregate classification (germline): Pathogenic (1 of 4 stars; one submission).

Submission:

Quest Diagnostics Nichols Institute San Juan Capistrano
Classification: Pathogenic. Last evaluated: 2021-09-04. Review status: criteria provided, single submitter. Criteria: ACMG/ClinGen CNV Guidelines, 2019. Collection method: clinical testing. Allele origin: unknown.
Comment: This copy number loss involves multiple genes and is associated with the 1q21.1 deletion syndrome (OMIM 612474). De novo and inherited deletions of this locus have been associated with a broad range of features including developmental delay, mild intellectual disability, microcephaly, eye abnormalities, and mildly dysmorphic features. Cardiac defects, genitourinary anomalies, skeletal malformations, and seizures are additional common features. Inheritance from a normal or mildly affected parent has been reported, suggesting incomplete penetrance and variable expressivity. See GeneReviews for additional information and references.